The following is an entry in ClinVar:

ClinVar aggregate classification (germline): Conflicting classifications of pathogenicity. Review status: criteria provided, conflicting classifications (1 of 4 stars). 6 submissions from 6 submitters: Uncertain significance (5); Likely benign (1). Last evaluated 2025-11-21.

Conditions:
Cardiovascular phenotype. Identifiers: MedGen CN230736.
Cardiomyopathy (CMYO). Also called: Cardiomyopathies. Identifiers: Orphanet 167848, MedGen C0878544, MONDO:0004994, HP:0001638. Inheritance: Various modes of inheritance.
Arrhythmogenic right ventricular cardiomyopathy (ARVD). Also called: Arrhythmogenic cardiomyopathy; Arrhythmogenic Right Ventricular Cardiomyopathy (ARVC); Cardiomyopathy, ARVC; Arrhythmogenic right ventricular dysplasia. Identifiers: Orphanet 247, MedGen C0349788, MeSH D019571, MONDO:0016587. Disease mechanism: loss of function. Inheritance: Various modes of inheritance.
Arrhythmogenic right ventricular dysplasia 9 (ARVD9). Also called: Arrhythmogenic Right Ventricular Dysplasia/Cardiomyopathy 9; ARRHYTHMOGENIC RIGHT VENTRICULAR DYSPLASIA, FAMILIAL, 9. Identifiers: MedGen C1836906, MONDO:0012180, OMIM 609040.

Allele frequency attached by ClinVar (database versions not stated): gnomAD 0.00001 and 0.00003; TOPMed 0.00003; ExAC 0.00006; gnomAD exomes 0.00007 and 0.00009; ESP Exome Variant Server 0.00008.
gnomAD v4.1: 136 of 1,614,054 alleles (0.0084%); highest among the groups gnomAD compares: Middle Eastern, 0.016%; no homozygotes.

Submissions (6):

Color Diagnostics, LLC DBA Color Health
Classification: Uncertain significance for Cardiomyopathy. Last evaluated: 2025-11-21. Review status: criteria provided, single submitter. Criteria: ACMG Guidelines, 2015. Collection method: clinical testing. Allele origin: germline.
Comment: This missense variant replaces glycine with glutamic acid at codon 314 of the PKP2 protein. Computational predictions are inconclusive regarding the impact of this variant on protein structure and function. To our knowledge, functional studies have not been reported for this variant. This variant has been reported in an individual affected with arrhythmogenic right ventricular cardiomyopathy (PMID: 27532257). This variant has been identified in 136/1614054 chromosomes in the general population by the Genome Aggregation Database (gnomAD). The available evidence is insufficient to determine the role of this variant in disease conclusively. Therefore, this variant is classified as a Variant of Uncertain Significance.

Labcorp Genetics (formerly Invitae), Labcorp
Classification: Uncertain significance for Arrhythmogenic right ventricular dysplasia 9. Last evaluated: 2024-09-19. Review status: criteria provided, single submitter. Criteria: Invitae Variant Classification Sherloc (09022015). Collection method: clinical testing. Allele origin: germline.
Comment: This sequence change replaces glycine, which is neutral and non-polar, with glutamic acid, which is acidic and polar, at codon 314 of the PKP2 protein (p.Gly314Glu). This variant is present in population databases (rs139903989, gnomAD 0.01%). This missense change has been observed in individual(s) with arrhythmogenic right ventricular cardiomyopathy (PMID: 27532257). ClinVar contains an entry for this variant (Variation ID: 239957). An algorithm developed to predict the effect of missense changes on protein structure and function (PolyPhen-2) suggests that this variant¬†is likely to be tolerated. In summary, the available evidence is currently insufficient to determine the role of this variant in disease. Therefore, it has been classified as a Variant of Uncertain Significance.

Blueprint Genetics
Classification: Likely benign. Last evaluated: 2024-09-10. Review status: criteria provided, single submitter. Criteria: ACMG Guidelines, 2015. Collection method: clinical testing. Allele origin: germline.

Ambry Genetics
Classification: Uncertain significance for Cardiovascular phenotype. Last evaluated: 2024-03-11. Review status: criteria provided, single submitter. Criteria: Ambry Variant Classification Scheme 2023. Collection method: clinical testing. Allele origin: germline.
Comment: The p.G314E variant (also known as c.941G>A), located in coding exon 3 of the PKP2 gene, results from a G to A substitution at nucleotide position 941. The glycine at codon 314 is replaced by glutamic acid, an amino acid with similar properties. This variant was identified in 1 patient with arrhythmogenic right ventricular cardiomyopathy (ARVC) in a large study of pathogenicity of Mendelian variants in cardiomyopathy patients, but clinical details are limited (Walsh R et al. Genet Med, 2017 Feb;19:192-203).This amino acid position is highly conserved in available vertebrate species. In addition, this alteration is predicted to be tolerated by in silico analysis. Based on the available evidence, the clinical significance of this alteration remains unclear.

All of Us Research Program, National Institutes of Health
Classification: Uncertain significance for Arrhythmogenic right ventricular cardiomyopathy. Last evaluated: 2023-12-01. Review status: criteria provided, single submitter. Criteria: ACMG Guidelines, 2015. Collection method: clinical testing. Allele origin: germline. Inheritance: Autosomal dominant inheritance. Observed: 5 variant alleles, 5 heterozygotes.
Comment: This missense variant replaces glycine with glutamic acid at codon 314 of the PKP2 protein. Computational prediction suggests that this variant may not impact protein structure and function (internally defined REVEL score threshold <= 0.5, PMID: 27666373). To our knowledge, functional studies have not been reported for this variant. This variant has been reported in 1 of 361 individuals affected with arrhythmogenic right ventricular cardiomyopathy (Oxford Molecular Genetics Laboratory). This variant has also been identified in 18/282390 chromosomes in the general population by the Genome Aggregation Database (gnomAD). The available evidence is insufficient to determine the role of this variant in disease conclusively. Therefore, this variant is classified as a Variant of Uncertain Significance.

This study involves interpretation of variants in research participants for the purpose of population health screening. Participant phenotype was not available at the time of variant classification. Additional details can be found in publication PMID: 35346344, PMCID: PMC8962531

GeneDx
Classification: Uncertain significance. Last evaluated: 2019-07-02. Review status: criteria provided, single submitter. Criteria: GeneDx Variant Classification Process June 2021. Collection method: clinical testing. Allele origin: germline. Affected: yes.
Comment: This variant has been reported in the literature in a patient with arrhythmogenic right ventricular cardiomyopathy (ARVC); although detailed clinical information was not provided (Walsh et al., 2017); Reported in ClinVar as a variant of uncertain significance but additional evidence is not available (ClinVar Variant ID# 239957; Landrum et al., 2016); In silico analysis, which includes protein predictors and evolutionary conservation, supports that this variant does not alter protein structure/function; This variant is associated with the following publications: (PMID: 31402444, 27532257)

Literature cited by the submitters: PubMed 27532257 (cited by 3 submitters).

NM_001005242.3(PKP2):c.941G>A (p.Gly314Glu)

Gene: PKP2 (plakophilin 2; minus strand). Cytogenetic location: 12p11.21.
Variant type: single nucleotide variant.
Coding change: c.941G>A on transcript NM_001005242.3 (MANE Select); coding-DNA position 941, G replaced by A.
Protein change: p.Gly314Glu; replaces glycine 314 with glutamic acid.
Molecular consequence: missense variant.
Genome position (GRCh38, 1-based): chr12:32,877,939, C>T on the plus strand (G>A on the coding strand, the complement: PKP2 is on the minus strand). VCF-style: chr12-32877939-C-T. GRCh37 (hg19) VCF-style: chr12-33030873-C-T.
Other names: c.941G>A, p.Gly314Glu (NM_004572.4); short protein forms G314E.
Identifiers: ClinVar variation 239957 (VCV000239957.19), dbSNP rs139903989, ClinGen allele CA039529.